The following is an entry in ClinVar:

ClinVar aggregate classification (germline): Uncertain significance (1 of 4 stars; one submission).

Allele frequency attached by ClinVar (database versions not stated): gnomAD exomes below 0.00001.
gnomAD v4.1: 5 of 1,614,132 alleles (0.00031%); highest among the groups gnomAD compares: Non-Finnish European, 0.00042%; no homozygotes.

Submission:

Labcorp Genetics (formerly Invitae), Labcorp
Classification: Uncertain significance. Last evaluated: 2023-06-11. Review status: criteria provided, single submitter. Criteria: Invitae Variant Classification Sherloc (09022015). Collection method: clinical testing. Allele origin: germline.
Comment: In summary, the available evidence is currently insufficient to determine the role of this variant in disease. Therefore, it has been classified as a Variant of Uncertain Significance. Algorithms developed to predict the effect of sequence changes on RNA splicing suggest that this variant may create or strengthen a splice site. An algorithm developed to predict the effect of missense changes on protein structure and function (PolyPhen-2) suggests that this variant is likely to be tolerated. This variant has not been reported in the literature in individuals affected with GATAD2B-related conditions. This variant is not present in population databases (gnomAD no frequency). This sequence change replaces alanine, which is neutral and non-polar, with valine, which is neutral and non-polar, at codon 55 of the GATAD2B protein (p.Ala55Val).

NM_020699.4(GATAD2B):c.164C>T (p.Ala55Val)

Gene: GATAD2B (GATA zinc finger domain containing 2B; minus strand). Cytogenetic location: 1q21.3.
Variant type: single nucleotide variant.
Coding change: c.164C>T on transcript NM_020699.4 (MANE Select); coding-DNA position 164, C replaced by T.
Protein change: p.Ala55Val; replaces alanine 55 with valine.
Molecular consequence: missense variant.
Genome position (GRCh38, 1-based): chr1:153,828,184, G>A on the plus strand (C>T on the coding strand, the complement: GATAD2B is on the minus strand). VCF-style: chr1-153828184-G-A. GRCh37 (hg19) VCF-style: chr1-153800660-G-A.
Other names: short protein forms A55V.
Identifiers: ClinVar variation 2966757 (VCV002966757.3), dbSNP rs2525291619, ClinGen allele CA342541043.